The following is an entry in ClinVar:

NM_001349253.2(SCN11A):c.4683G>C (p.Leu1561=)

Gene: SCN11A (sodium voltage-gated channel alpha subunit 11; minus strand). Cytogenetic location: 3p22.2.
Variant type: single nucleotide variant.
Coding change: c.4683G>C on transcript NM_001349253.2 (MANE Select); coding-DNA position 4683, G replaced by C.
Protein change: p.Leu1561=; no amino-acid change (leucine 1561 retained).
Molecular consequence: synonymous variant.
Genome position (GRCh38, 1-based): chr3:38,847,387, C>G on the plus strand (G>C on the coding strand, the complement: SCN11A is on the minus strand). VCF-style: chr3-38847387-C-G. GRCh37 (hg19) VCF-style: chr3-38888878-C-G.
Other names: p.Leu1561=; c.4683G>C, p.Leu1561= (NM_014139.3).
Identifiers: ClinVar variation 474732 (VCV000474732.44), dbSNP rs41285131, ClinGen allele CA2321470.
Genomic context (GRCh38, chr3:38,847,387, plus strand): 5'-TGTGGCTATGCCAGGGAGGTGGCAGTTTTCTGAGGAAGAGTTACATGATTCTTTTGATCG[C>G]AGCATGGGGCTGAGCAGGGAATCCCAACCTGCTGATGTGCTTATCTGGAAGAGACAGAGC-3'
Protein context (NP_001336182.1, residues 1551-1571): AGWDSLLSPM[Leu1561=]RSKESCNSSS

ClinVar aggregate classification (germline): Benign. Review status: criteria provided, multiple submitters, no conflicts (2 of 4 stars). 5 submissions from 5 submitters: Benign (5). Last evaluated 2026-09-01.

Conditions:
Hereditary sensory and autonomic neuropathy type 7. Also called: Neuropathy, hereditary sensory and autonomic, type VII; HSAN VII. Identifiers: Orphanet 391397, MedGen C3809882, MONDO:0014244, OMIM 615548.
Familial episodic pain syndrome with predominantly lower limb involvement. Also called: Episodic pain syndrome, familial, 3. Identifiers: Orphanet 391384, Orphanet 391392, MedGen C3809899, MONDO:0014247, OMIM 615552.

Allele frequency attached by ClinVar (database versions not stated): 1000 Genomes Project 0.00379; 1000 Genomes Project 30x 0.00437; TOPMed 0.00820; ExAC 0.00832; gnomAD 0.00853 and 0.00883; ESP Exome Variant Server 0.01000.
gnomAD v4.1: 19,463 of 1,614,116 alleles (1.2%); highest among the groups gnomAD compares: Non-Finnish European, 1.5%; 146 homozygotes.

Submissions (5):

CeGaT Center for Human Genetics Tuebingen
Classification: Benign. Last evaluated: 2026-09-01. Review status: criteria provided, single submitter. Criteria: CeGaT Center For Human Genetics Tuebingen Variant Classification Criteria Version 2. Collection method: clinical testing. Allele origin: germline. Affected: yes. Observed: 50 variant alleles.
Comment: SCN11A: BP4, BP7, BS1, BS2

Labcorp Genetics (formerly Invitae), Labcorp
Classification: Benign for Familial episodic pain syndrome with predominantly lower limb involvement; Hereditary sensory and autonomic neuropathy type 7. Last evaluated: 2026-02-03. Review status: criteria provided, single submitter. Criteria: Invitae Variant Classification Sherloc (09022015). Collection method: clinical testing. Allele origin: germline.

Mayo Clinic Laboratories, Mayo Clinic
Classification: Benign. Last evaluated: 2022-08-19. Review status: criteria provided, single submitter. Criteria: ACMG Guidelines, 2015. Collection method: clinical testing. Allele origin: germline. Observed: 28 variant alleles.

GeneDx
Classification: Benign. Last evaluated: 2019-09-13. Review status: criteria provided, single submitter. Criteria: GeneDx Variant Classification Process June 2021. Collection method: clinical testing. Allele origin: germline. Affected: yes.

Breakthrough Genomics
Classification: Benign. Review status: criteria provided, single submitter. Criteria: ACMG Guidelines, 2015. Collection method: not provided. Allele origin: germline. Inheritance: Autosomal dominant inheritance. Affected: yes.